The following is an entry in ClinVar:

ClinVar aggregate classification (germline): Uncertain significance (1 of 4 stars; one submission).

Allele frequency attached by ClinVar (database versions not stated): gnomAD exomes 0.00003; gnomAD 0.00004; TOPMed 0.00004.
gnomAD v4.1: 64 of 1,613,802 alleles (0.004%); highest among the groups gnomAD compares: Non-Finnish European, 0.0047%; no homozygotes.

Submission:

Labcorp Genetics (formerly Invitae), Labcorp
Classification: Uncertain significance. Last evaluated: 2023-11-27. Review status: criteria provided, single submitter. Criteria: Invitae Variant Classification Sherloc (09022015). Collection method: clinical testing. Allele origin: germline.
Comment: This sequence change replaces glutamine, which is neutral and polar, with arginine, which is basic and polar, at codon 1900 of the MYO18B protein (p.Gln1900Arg). This variant is present in population databases (rs769908555, gnomAD 0.002%). This variant has not been reported in the literature in individuals affected with MYO18B-related conditions. ClinVar contains an entry for this variant (Variation ID: 2066206). An algorithm developed to predict the effect of missense changes on protein structure and function (PolyPhen-2) suggests that this variant is likely to be disruptive. In summary, the available evidence is currently insufficient to determine the role of this variant in disease. Therefore, it has been classified as a Variant of Uncertain Significance.

NM_032608.7(MYO18B):c.5699A>G (p.Gln1900Arg)

Gene: MYO18B (myosin XVIIIB; plus strand). Cytogenetic location: 22q12.1.
Variant type: single nucleotide variant.
Coding change: c.5699A>G on transcript NM_032608.7 (MANE Select); coding-DNA position 5699, A replaced by G.
Protein change: p.Gln1900Arg; replaces glutamine 1900 with arginine.
Molecular consequence: missense variant.
Genome position (GRCh38, 1-based): chr22:25,947,779, A>G. VCF-style: chr22-25947779-A-G. GRCh37 (hg19) VCF-style: chr22-26343745-A-G.
Other names: c.5702A>G, p.Gln1901Arg (NM_001318245.2); short protein forms Q1900R, Q1901R.
Identifiers: ClinVar variation 2066206 (VCV002066206.2), dbSNP rs769908555, ClinGen allele CA322794398.